The following is an entry in ClinVar:

NM_032444.4(SLX4):c.3226C>G (p.Pro1076Ala)

Gene: SLX4 (SLX4 structure-specific endonuclease subunit; minus strand). Cytogenetic location: 16p13.3.
Variant type: single nucleotide variant.
Coding change: c.3226C>G on transcript NM_032444.4 (MANE Select); coding-DNA position 3226, C replaced by G.
Protein change: p.Pro1076Ala; replaces proline 1076 with alanine.
Molecular consequence: missense variant.
Genome position (GRCh38, 1-based): chr16:3,590,412, G>C on the plus strand (C>G on the coding strand, the complement: SLX4 is on the minus strand). VCF-style: chr16-3590412-G-C. GRCh37 (hg19) VCF-style: chr16-3640413-G-C.
Other names: short protein forms P1076A.
Identifiers: ClinVar variation 1470170 (VCV001470170.8), dbSNP rs2151124007, ClinGen allele CA394521394.

ClinVar aggregate classification (germline): Uncertain significance (1 of 4 stars; one submission).

Conditions:
Fanconi anemia (FA). Also called: Fanconi's anemia. Identifiers: Orphanet 84, MedGen C0015625, MeSH D005199, MONDO:0019391.

Submission:

Labcorp Genetics (formerly Invitae), Labcorp
Classification: Uncertain significance for Fanconi anemia. Last evaluated: 2021-07-15. Review status: criteria provided, single submitter. Criteria: Invitae Variant Classification Sherloc (09022015). Collection method: clinical testing. Allele origin: germline.
Comment: In summary, the available evidence is currently insufficient to determine the role of this variant in disease. Therefore, it has been classified as a Variant of Uncertain Significance. Algorithms developed to predict the effect of missense changes on protein structure and function are either unavailable or do not agree on the potential impact of this missense change (SIFT: "Deleterious"; PolyPhen-2: "Probably Damaging"; Align-GVGD: "Class C0"). This variant has not been reported in the literature in individuals affected with SLX4-related conditions. This variant is not present in population databases (ExAC no frequency). This sequence change replaces proline with alanine at codon 1076 of the SLX4 protein (p.Pro1076Ala). The proline residue is moderately conserved and there is a small physicochemical difference between proline and alanine.